The following is an entry in ClinVar:

NM_031885.5(BBS2):c.1810C>T (p.His604Tyr)

Gene: BBS2 (Bardet-Biedl syndrome 2; minus strand). Cytogenetic location: 16q13.
Variant type: single nucleotide variant.
Coding change: c.1810C>T on transcript NM_031885.5 (MANE Select); coding-DNA position 1810, C replaced by T.
Protein change: p.His604Tyr; replaces histidine 604 with tyrosine.
Molecular consequence: missense variant. On other transcripts: non-coding transcript variant (5).
Genome position (GRCh38, 1-based): chr16:56,497,067, G>A on the plus strand (C>T on the coding strand, the complement: BBS2 is on the minus strand). VCF-style: chr16-56497067-G-A. GRCh37 (hg19) VCF-style: chr16-56530979-G-A.
Other names: c.1810C>T, p.His604Tyr (NM_001377456.1); short protein forms H604Y.
Identifiers: ClinVar variation 1996691 (VCV001996691.1), dbSNP rs2543695612, ClinGen allele CA395975665.

ClinVar aggregate classification (germline): Uncertain significance (1 of 4 stars; one submission).

Conditions:
Bardet-Biedl syndrome (BBS). Identifiers: Orphanet 110, MedGen C0752166, MONDO:0015229.

Allele frequency attached by ClinVar (database versions not stated): gnomAD exomes below 0.00001.
gnomAD v4.1: 1 of 1,611,384 alleles (0.000062%); highest among the groups gnomAD compares: Non-Finnish European, 0.000085%; no homozygotes.

Submission:

Labcorp Genetics (formerly Invitae), Labcorp
Classification: Uncertain significance for Bardet-Biedl syndrome. Last evaluated: 2022-05-20. Review status: criteria provided, single submitter. Criteria: Invitae Variant Classification Sherloc (09022015). Collection method: clinical testing. Allele origin: germline.
Comment: This sequence change replaces histidine, which is basic and polar, with tyrosine, which is neutral and polar, at codon 604 of the BBS2 protein (p.His604Tyr). This variant is not present in population databases (gnomAD no frequency). This variant has not been reported in the literature in individuals affected with BBS2-related conditions. Algorithms developed to predict the effect of missense changes on protein structure and function are either unavailable or do not agree on the potential impact of this missense change (SIFT: "Tolerated"; PolyPhen-2: "Probably Damaging"; Align-GVGD: "Class C15"). In summary, the available evidence is currently insufficient to determine the role of this variant in disease. Therefore, it has been classified as a Variant of Uncertain Significance.